The following is an entry in ClinVar:

ClinVar aggregate classification (germline): Uncertain significance (1 of 4 stars; one submission).

Conditions:
Hypertrophic cardiomyopathy. Also called: HYPERTROPHIC MYOCARDIOPATHY. Identifiers: Orphanet 217569, MedGen C0007194, MeSH D002312, MONDO:0005045, HP:0001639.

Submission:

Labcorp Genetics (formerly Invitae), Labcorp
Classification: Uncertain significance for Hypertrophic cardiomyopathy. Last evaluated: 2024-01-24. Review status: criteria provided, single submitter. Criteria: Invitae Variant Classification Sherloc (09022015). Collection method: clinical testing. Allele origin: germline.
Comment: This sequence change replaces isoleucine, which is neutral and non-polar, with valine, which is neutral and non-polar, at codon 248 of the MYH7 protein (p.Ile248Val). This variant is not present in population databases (gnomAD no frequency). This missense change has been observed in individual(s) with hypertrophic cardiomyopathy (Invitae). Advanced modeling of protein sequence and biophysical properties (such as structural, functional, and spatial information, amino acid conservation, physicochemical variation, residue mobility, and thermodynamic stability) performed at Invitae indicates that this missense variant is expected to disrupt MYH7 protein function with a positive predictive value of 95%. In summary, the available evidence is currently insufficient to determine the role of this variant in disease. Therefore, it has been classified as a Variant of Uncertain Significance.

NM_000257.4(MYH7):c.742A>G (p.Ile248Val)

Gene: MYH7 (myosin heavy chain 7; minus strand). Cytogenetic location: 14q11.2.
Variant type: single nucleotide variant.
Coding change: c.742A>G on transcript NM_000257.4 (MANE Select); coding-DNA position 742, A replaced by G.
Protein change: p.Ile248Val; replaces isoleucine 248 with valine.
Molecular consequence: missense variant.
Genome position (GRCh38, 1-based): chr14:23,431,472, T>C on the plus strand (A>G on the coding strand, the complement: MYH7 is on the minus strand). VCF-style: chr14-23431472-T-C. GRCh37 (hg19) VCF-style: chr14-23900681-T-C.
Other names: c.742A>G, p.Ile248Val (NM_001407004.1); short protein forms I248V.
Identifiers: ClinVar variation 2710963 (VCV002710963.3), dbSNP rs727503275, ClinGen allele CA389052140.